The following is an entry in ClinVar:

ClinVar aggregate classification (germline): Benign/Likely benign. Review status: criteria provided, multiple submitters, no conflicts (2 of 4 stars). 3 submissions from 3 submitters: Benign (1); Likely benign (2). Last evaluated 2025-03-31.

Conditions:
Hereditary cancer-predisposing syndrome. Also called: Tumor predisposition; Hereditary neoplastic syndrome; Neoplastic Syndromes, Hereditary; Hereditary Cancer Syndrome. Identifiers: Orphanet 140162, MedGen C0027672, MeSH D009386, MONDO:0015356.
Peutz-Jeghers syndrome (PJS). Also called: POLYPOSIS, HAMARTOMATOUS INTESTINAL; POLYPS-AND-SPOTS SYNDROME; Peutz-Jeghers polyposis; Periorificial lentiginosis syndrome. Identifiers: Orphanet 2869, MedGen C0031269, MeSH D010580, MONDO:0008280, OMIM 175200.

Submissions (3):

Myriad Genetics, Inc.
Classification: Benign for Peutz-Jeghers syndrome. Last evaluated: 2025-03-31. Review status: criteria provided, single submitter. Criteria: Myriad Autosomal Dominant, Autosomal Recessive and X-Linked Classification Criteria (2023). Collection method: clinical testing. Allele origin: unknown.
Comment: This variant is considered benign. This variant is a silent/synonymous amino acid change and it is not expected to impact splicing.

Ambry Genetics
Classification: Likely benign for Hereditary cancer-predisposing syndrome. Last evaluated: 2022-01-31. Review status: criteria provided, single submitter. Criteria: Ambry Variant Classification Scheme 2023. Collection method: clinical testing. Allele origin: germline.

Color Diagnostics, LLC DBA Color Health
Classification: Likely benign for Hereditary cancer-predisposing syndrome. Last evaluated: 2019-07-30. Review status: criteria provided, single submitter. Criteria: ACMG Guidelines, 2015. Collection method: clinical testing. Allele origin: germline.

NM_000455.5(STK11):c.1233C>G (p.Pro411=)

Gene: STK11 (serine/threonine kinase 11; plus strand). Cytogenetic location: 19p13.3.
Variant type: single nucleotide variant.
Coding change: c.1233C>G on transcript NM_000455.5 (MANE Select); coding-DNA position 1233, C replaced by G.
Protein change: p.Pro411=; no amino-acid change (proline 411 retained).
Molecular consequence: synonymous variant.
Genome position (GRCh38, 1-based): chr19:1,226,578, C>G. VCF-style: chr19-1226578-C-G. GRCh37 (hg19) VCF-style: chr19-1226577-C-G.
Identifiers: ClinVar variation 925978 (VCV000925978.5), dbSNP rs1555740221, ClinGen allele CA402953893.